The following is an entry in ClinVar:

ClinVar aggregate classification (germline): Uncertain significance (1 of 4 stars; one submission).

Conditions:
Hyperkalemic periodic paralysis. Also called: Familial hyperkalemic periodic paralysis; Gamstorp disease. Identifiers: Orphanet 682, MedGen C0238357, MONDO:0008224, OMIM 170500, HP:0007215.

Submission:

Labcorp Genetics (formerly Invitae), Labcorp
Classification: Uncertain significance for Hyperkalemic periodic paralysis. Last evaluated: 2022-11-14. Review status: criteria provided, single submitter. Criteria: Invitae Variant Classification Sherloc (09022015). Collection method: clinical testing. Allele origin: germline.
Comment: Advanced modeling of protein sequence and biophysical properties (such as structural, functional, and spatial information, amino acid conservation, physicochemical variation, residue mobility, and thermodynamic stability) performed at Invitae indicates that this missense variant is not expected to disrupt SCN4A protein function. ClinVar contains an entry for this variant (Variation ID: 853108). This variant has not been reported in the literature in individuals affected with SCN4A-related conditions. This variant is not present in population databases (gnomAD no frequency). This sequence change replaces proline, which is neutral and non-polar, with serine, which is neutral and polar, at codon 520 of the SCN4A protein (p.Pro520Ser). In summary, the available evidence is currently insufficient to determine the role of this variant in disease. Therefore, it has been classified as a Variant of Uncertain Significance.

NM_000334.4(SCN4A):c.1558C>T (p.Pro520Ser)

Gene: SCN4A (sodium voltage-gated channel alpha subunit 4; minus strand). Cytogenetic location: 17q23.3.
Variant type: single nucleotide variant.
Coding change: c.1558C>T on transcript NM_000334.4 (MANE Select); coding-DNA position 1558, C replaced by T.
Protein change: p.Pro520Ser; replaces proline 520 with serine.
Molecular consequence: missense variant.
Genome position (GRCh38, 1-based): chr17:63,963,720, G>A on the plus strand (C>T on the coding strand, the complement: SCN4A is on the minus strand). VCF-style: chr17-63963720-G-A. GRCh37 (hg19) VCF-style: chr17-62041080-G-A.
Other names: short protein forms P520S.
Identifiers: ClinVar variation 853108 (VCV000853108.10), dbSNP rs1909342706, ClinGen allele CA400634506.